The following is an entry in ClinVar:

NM_005245.4(FAT1):c.9852A>G (p.Thr3284=)

Gene: FAT1 (FAT atypical cadherin 1; minus strand). Cytogenetic location: 4q35.2.
Variant type: single nucleotide variant.
Coding change: c.9852A>G on transcript NM_005245.4 (MANE Select); coding-DNA position 9852, A replaced by G.
Protein change: p.Thr3284=; no amino-acid change (threonine 3284 retained).
Molecular consequence: synonymous variant.
Genome position (GRCh38, 1-based): chr4:186,611,387, T>C on the plus strand (A>G on the coding strand, the complement: FAT1 is on the minus strand). VCF-style: chr4-186611387-T-C. GRCh37 (hg19) VCF-style: chr4-187532541-T-C.
Identifiers: ClinVar variation 1932362 (VCV001932362.5), dbSNP rs750248803, ClinGen allele CA3165551.

ClinVar aggregate classification (germline): Uncertain significance (1 of 4 stars; one submission).

Allele frequency attached by ClinVar (database versions not stated): TOPMed 0.00001; gnomAD 0.00003; gnomAD exomes 0.00005; ExAC 0.00008.
gnomAD v4.1: 74 of 1,603,408 alleles (0.0046%); highest among the groups gnomAD compares: South Asian, 0.078%; no homozygotes.

Submission:

Labcorp Genetics (formerly Invitae), Labcorp
Classification: Uncertain significance. Last evaluated: 2022-11-10. Review status: criteria provided, single submitter. Criteria: Invitae Variant Classification Sherloc (09022015). Collection method: clinical testing. Allele origin: germline.
Comment: This sequence change affects codon 3284 of the FAT1 mRNA. It is a 'silent' change, meaning that it does not change the encoded amino acid sequence of the FAT1 protein. It affects a nucleotide within the consensus splice site. This variant is present in population databases (rs750248803, gnomAD 0.08%). This variant has not been reported in the literature in individuals affected with FAT1-related conditions. Algorithms developed to predict the effect of sequence changes on RNA splicing suggest that this variant is not likely to affect RNA splicing. In summary, the available evidence is currently insufficient to determine the role of this variant in disease. Therefore, it has been classified as a Variant of Uncertain Significance.